The following is an entry in ClinVar:

ClinVar aggregate classification (germline): Uncertain significance (1 of 4 stars; one submission).

Allele frequency attached by ClinVar (database versions not stated): gnomAD exomes below 0.00001; TOPMed below 0.00001.
gnomAD v4.1: 1 of 1,613,228 alleles (0.000062%); highest among the groups gnomAD compares: Non-Finnish European, 0.000085%; no homozygotes.

Submission:

Women's Health and Genetics/Laboratory Corporation of America, LabCorp
Classification: Uncertain significance. Last evaluated: 2023-08-03. Review status: criteria provided, single submitter. Criteria: LabCorp Variant Classification Summary - May 2015. Collection method: clinical testing. Allele origin: germline.
Comment: Variant summary: TTN c.21877G>A (p.Asp7293Asn) results in a conservative amino acid change located in the I-band region of the encoded protein sequence. Two of three in-silico tools predict a benign effect of the variant on protein function. The variant was absent in 248344 control chromosomes (gnomAD). The available data on variant occurrences in the general population are insufficient to allow any conclusion about variant significance. To our knowledge, no occurrence of c.21877G>A in individuals affected with Limb-Girdle Muscular Dystrophy, Type 2J and no experimental evidence demonstrating its impact on protein function have been reported. No submitters have cited clinical-significance assessments for this variant to ClinVar after 2014. Based on the evidence outlined above, the variant was classified as uncertain significance.

NM_001267550.2(TTN):c.25609G>A (p.Asp8537Asn)

Gene: TTN (titin; minus strand). Cytogenetic location: 2q31.2.
Variant type: single nucleotide variant.
Coding change: c.25609G>A on transcript NM_001267550.2 (MANE Select); coding-DNA position 25609, G replaced by A.
Protein change: p.Asp8537Asn; replaces aspartic acid 8537 with asparagine.
Molecular consequence: missense variant. On other transcripts: intron variant (3).
Genome position (GRCh38, 1-based): chr2:178,717,125, C>T on the plus strand (G>A on the coding strand, the complement: TTN is on the minus strand). VCF-style: chr2-178717125-C-T. GRCh37 (hg19) VCF-style: chr2-179581852-C-T.
Other names: c.24658G>A, p.Asp8220Asn (NM_001256850.1); c.21877G>A, p.Asp7293Asn (NM_133378.4); c.13282+20957G>A (NM_003319.4); c.13858+20957G>A (NM_133437.4); c.13657+20957G>A (NM_133432.3); short protein forms D7293N, D8220N, D8537N.
Identifiers: ClinVar variation 2581445 (VCV002581445.1), dbSNP rs2077605401, ClinGen allele CA349483768.